The following is an entry in ClinVar:

NC_000005.9:g.(?_87976333)_(88057095_?)del

Gene: MEF2C (myocyte enhancer factor 2C; minus strand). Cytogenetic location: 5q14.3.
Variant type: Deletion.
Identifiers: ClinVar variation 3246394 (VCV003246394.1).

ClinVar aggregate classification (germline): Uncertain significance (1 of 4 stars; one submission).

Conditions:
Neurodevelopmental disorder with hypotonia, stereotypic hand movements, and impaired language. Also called: Intellectual disability, autosomal dominant 20. Identifiers: Orphanet 228384, Orphanet 664410, MedGen C3150700, MONDO:0013266, OMIM 613443.

Submission:

Labcorp Genetics (formerly Invitae), Labcorp
Classification: Uncertain significance for Neurodevelopmental disorder with hypotonia, stereotypic hand movements, and impaired language. Last evaluated: 2019-12-21. Review status: criteria provided, single submitter. Criteria: Invitae Variant Classification Sherloc (09022015). Collection method: clinical testing. Allele origin: unknown.
Comment: Experimental studies and prediction algorithms are not available or were not evaluated, and the functional significance of this variant is currently unknown. In summary, the available evidence is currently insufficient to determine the role of this variant in disease. Therefore, it has been classified as a Variant of Uncertain Significance. This variant has not been reported in the literature in individuals with MEF2C-related conditions. This variant results in the deletion of exon(s) 5-11 and part of exon 4 (c.309_*42088del) of the MEF2C gene. While this is not anticipated to result in nonsense mediated decay, it likely alters RNA splicing and results in a disrupted protein product.